The following is an entry in ClinVar:

ClinVar aggregate classification (germline): Uncertain significance. Review status: criteria provided, multiple submitters, no conflicts (2 of 4 stars). 4 submissions from 4 submitters: Uncertain significance (4). Last evaluated 2026-06-08.

Conditions:
Retinal dystrophy. Also called: Inherited retinal dystrophy. Identifiers: Orphanet 71862, MedGen C0854723, MeSH D058499, MONDO:0019118, HP:0000556.
USH2A-related disorder. Also called: USH2A-related condition; USH2A-related disorders. Identifiers: MedGen CN239332.

Allele frequency attached by ClinVar (database versions not stated): gnomAD 0.00001; gnomAD exomes 0.00003; ExAC 0.00002; TOPMed 0.00002.
gnomAD v4.1: 38 of 1,613,700 alleles (0.0024%); highest among the groups gnomAD compares: East Asian, 0.0067%; no homozygotes.

Submissions (4):

PreventionGenetics, part of Exact Sciences
Classification: Uncertain significance for USH2A-related condition. Last evaluated: 2026-06-08. Review status: criteria provided, single submitter. Criteria: ACMG Guidelines, 2015. Collection method: clinical testing. Allele origin: germline.
Comment: The USH2A c.5837G>A variant is predicted to result in the amino acid substitution p.Arg1946Gln. To our knowledge, this variant has not been reported in the literature. This variant is reported in 0.0065% of alleles in individuals of South Asian descent in gnomAD. At this time, the clinical significance of this variant is uncertain due to the absence of conclusive functional and genetic evidence.

Dept Of Ophthalmology, Nagoya University
Classification: Uncertain significance for Retinal dystrophy. Last evaluated: 2023-10-01. Review status: criteria provided, single submitter. Criteria: Submitter's publication. Collection method: research. Allele origin: germline. Affected: yes.

Blueprint Genetics
Classification: Uncertain significance. Last evaluated: 2023-04-13. Review status: criteria provided, single submitter. Criteria: ACMG Guidelines, 2015. Collection method: clinical testing. Allele origin: germline.

Labcorp Genetics (formerly Invitae), Labcorp
Classification: Uncertain significance. Last evaluated: 2021-12-20. Review status: criteria provided, single submitter. Criteria: Invitae Variant Classification Sherloc (09022015). Collection method: clinical testing. Allele origin: germline.
Comment: This sequence change replaces arginine, which is basic and polar, with glutamine, which is neutral and polar, at codon 1946 of the USH2A protein (p.Arg1946Gln). This variant is present in population databases (rs193921072, gnomAD 0.006%). This variant has not been reported in the literature in individuals affected with USH2A-related conditions. Algorithms developed to predict the effect of missense changes on protein structure and function output the following: SIFT: "Deleterious"; PolyPhen-2: "Possibly Damaging"; Align-GVGD: "Class C35". The glutamine amino acid residue is found in multiple mammalian species, which suggests that this missense change does not adversely affect protein function. In summary, the available evidence is currently insufficient to determine the role of this variant in disease. Therefore, it has been classified as a Variant of Uncertain Significance.

NM_206933.4(USH2A):c.5837G>A (p.Arg1946Gln)

Genes: USH2A (usherin; minus strand), USH2A-AS2 (USH2A antisense RNA 2; plus strand). Cytogenetic location: 1q41.
Variant type: single nucleotide variant.
Coding change: c.5837G>A on transcript NM_206933.4 (MANE Select); coding-DNA position 5837, G replaced by A.
Protein change: p.Arg1946Gln; replaces arginine 1946 with glutamine.
Molecular consequence: missense variant.
Genome position (GRCh38, 1-based): chr1:216,072,909, C>T on the plus strand (G>A on the coding strand, the complement: USH2A is on the minus strand). VCF-style: chr1-216072909-C-T. GRCh37 (hg19) VCF-style: chr1-216246251-C-T.
Other names: c.5837G>A (NM_206933.2); short protein forms R1946Q.
Identifiers: ClinVar variation 2143372 (VCV002143372.4), dbSNP rs193921072, ClinGen allele CA1395341.